The following is an entry in ClinVar:

ClinVar aggregate classification (germline): Uncertain significance (1 of 4 stars; one submission).

Conditions:
RASopathy. Also called: Noonan spectrum disorder; rasopathies. Identifiers: Orphanet 536391, MedGen C5555857, MONDO:0021060.

Submission:

Labcorp Genetics (formerly Invitae), Labcorp
Classification: Uncertain significance for RASopathy. Last evaluated: 2023-08-22. Review status: criteria provided, single submitter. Criteria: Invitae Variant Classification Sherloc (09022015). Collection method: clinical testing. Allele origin: germline.
Comment: In summary, the available evidence is currently insufficient to determine the role of this variant in disease. Therefore, it has been classified as a Variant of Uncertain Significance. Advanced modeling of protein sequence and biophysical properties (such as structural, functional, and spatial information, amino acid conservation, physicochemical variation, residue mobility, and thermodynamic stability) has been performed at Invitae for this missense variant, however the output from this modeling did not meet the statistical confidence thresholds required to predict the impact of this variant on SOS1 protein function. This variant has not been reported in the literature in individuals affected with SOS1-related conditions. This variant is not present in population databases (gnomAD no frequency). This sequence change replaces alanine, which is neutral and non-polar, with valine, which is neutral and non-polar, at codon 168 of the SOS1 protein (p.Ala168Val).

NM_005633.4(SOS1):c.503C>T (p.Ala168Val)

Gene: SOS1 (SOS Ras/Rac guanine nucleotide exchange factor 1; minus strand). Cytogenetic location: 2p22.1.
Variant type: single nucleotide variant.
Coding change: c.503C>T on transcript NM_005633.4 (MANE Select); coding-DNA position 503, C replaced by T.
Protein change: p.Ala168Val; replaces alanine 168 with valine.
Molecular consequence: missense variant.
Genome position (GRCh38, 1-based): chr2:39,056,709, G>A on the plus strand (C>T on the coding strand, the complement: SOS1 is on the minus strand). VCF-style: chr2-39056709-G-A. GRCh37 (hg19) VCF-style: chr2-39283850-G-A.
Other names: c.482C>T, p.Ala161Val (NM_001382394.1); c.503C>T, p.Ala168Val (NM_001382395.1); short protein forms A161V, A168V.
Identifiers: ClinVar variation 2754424 (VCV002754424.3), dbSNP rs2465354672, ClinGen allele CA346373399.